The following is an entry in ClinVar:

NM_018979.4(WNK1):c.*409C>T

Gene: WNK1 (WNK lysine deficient protein kinase 1; plus strand). Cytogenetic location: 12p13.33.
Variant type: single nucleotide variant.
Coding change: c.*409C>T on transcript NM_018979.4 (MANE Select); 409 bases downstream of the stop codon, C replaced by T.
Molecular consequence: 3 prime UTR variant.
Genome position (GRCh38, 1-based): chr12:909,201, C>T. VCF-style: chr12-909201-C-T. GRCh37 (hg19) VCF-style: chr12-1018367-C-T.
Other names: c.*409C>T (NM_001184985.2, NM_014823.3, NM_213655.5).
Identifiers: ClinVar variation 882151 (VCV000882151.4), dbSNP rs367847712, ClinGen allele CA231498566.

ClinVar aggregate classification (germline): Benign (1 of 4 stars; one submission).

Conditions:
Pseudohypoaldosteronism type 2C (PHA2C). Also called: Pseudohypoaldosteronism Type IIC. Identifiers: Orphanet 757, Orphanet 88940, MedGen C1840391, MONDO:0013778, OMIM 614492.

Allele frequency attached by ClinVar (database versions not stated): gnomAD 0.00007 and 0.00011; gnomAD exomes 0.00012; TOPMed 0.00012; 1000 Genomes Project 30x 0.00078; 1000 Genomes Project 0.00080.
gnomAD v4.1: 25 of 213,202 alleles (0.012%); highest among the groups gnomAD compares: East Asian, 0.12%; no homozygotes.

Submission:

Illumina Laboratory Services, Illumina
Classification: Benign for Pseudohypoaldosteronism type 2C. Last evaluated: 2018-01-12. Review status: criteria provided, single submitter. Criteria: ICSL Variant Classification Criteria 13 December 2019. Collection method: clinical testing. Allele origin: germline.
Comment: This variant was observed in the ICSL laboratory as part of a predisposition screen in an ostensibly healthy population. It had not been previously curated by ICSL or reported in the Human Gene Mutation Database (HGMD: prior to June 1st, 2018), and was therefore a candidate for classification through an automated scoring system. Utilizing variant allele frequency, disease prevalence and penetrance estimates, and inheritance mode, an automated score was calculated to assess if this variant is too frequent to cause the disease. Based on the score and internal cut-off values, a variant classified as benign is not then subjected to further curation. The score for this variant resulted in a classification of benign for this disease.